The following is an entry in ClinVar:

ClinVar aggregate classification (germline): Likely pathogenic (1 of 4 stars; one submission).

Conditions:
Lynch syndrome. Identifiers: Orphanet 144, MedGen C4552100, MONDO:0005835. Disease mechanism: loss of function.

Allele frequency attached by ClinVar (database versions not stated): gnomAD exomes below 0.00001.

Submission:

Laboratory for Molecular Medicine, Mass General Brigham Personalized Medicine
Classification: Likely pathogenic for Lynch syndrome. Last evaluated: 2022-04-01. Review status: criteria provided, single submitter. Criteria: ACMG Guidelines, 2015. Collection method: clinical testing. Allele origin: germline. Inheritance: Autosomal dominant inheritance.
Comment: The p.Lys804IlefsX16 variant in MSH6 has not been reported in individuals with MSH6-associated cancers or in large population databases. This variant is predicted to cause a frameshift, which alters the protein’s amino acid sequence beginning at position 804 and leads to a premature termination codon 16 amino acids downstream. This alteration is then predicted to lead to a truncated or absent protein. Heterozygous loss of function of the MSH6 gene is an established disease mechanism in autosomal dominant Lynch syndrome. In summary, although additional studies are required to fully establish its clinical significance, this variant meets criteria to be classified as likely pathogenic for autosomal dominant Lynch syndrome. ACMG/AMP Criteria applied: PVS1, PM2_Supporting.

NM_000179.3(MSH6):c.2410_2411insT (p.Lys804fs)

Gene: MSH6 (mutS homolog 6; plus strand). Cytogenetic location: 2p16.3.
Variant type: Insertion.
Coding change: c.2410_2411insT on transcript NM_000179.3 (MANE Select); coding-DNA positions 2410 to 2411, T inserted.
Protein change: p.Lys804fs; shifts the reading frame from lysine 804.
Molecular consequence: frameshift variant. On other transcripts: non-coding transcript variant (5), intron variant (3).
Genome position: GRCh38 VCF-style: chr2-47800393-A-AT. GRCh37 (hg19) VCF-style: chr2-48027532-A-AT.
Other names: c.2020_2021insT, p.Lys674fs (NM_001281492.2); c.1504_1505insT, p.Lys502fs (NM_001281493.2, NM_001281494.2, NM_001406811.1 and 6 more transcripts); c.2506_2507insT, p.Lys836fs (NM_001406795.1, NM_001406802.1); c.2410_2411insT, p.Lys804fs (NM_001406796.1, NM_001406798.1, NM_001406800.1 and 2 more transcripts); c.2113_2114insT, p.Lys705fs (NM_001406797.1, NM_001406801.1, NM_001406805.1 and 10 more transcripts); c.1885_1886insT, p.Lys629fs (NM_001406799.1, NM_001406806.1, NM_001406807.1); c.2332_2333insT, p.Lys778fs (NM_001406804.1); c.2416_2417insT, p.Lys806fs (NM_001406813.1); and 4 more; short protein forms K502fs, K629fs, K674fs, K705fs, K748fs, K778fs, K804fs, K806fs.
Identifiers: ClinVar variation 3075845 (VCV003075845.1), dbSNP rs2530670575, ClinGen allele CA2658950254.